The following is an entry in ClinVar:

NM_130839.5(UBE3A):c.335dup (p.Lys113fs)

Genes: SNHG14 (small nucleolar RNA host gene 14; plus strand), UBE3A (ubiquitin protein ligase E3A; minus strand). Cytogenetic location: 15q11.2.
Variant type: Duplication.
Coding change: c.335dup on transcript NM_130839.5 (MANE Select); coding-DNA position 335, one base duplicated (A; older notation c.335dupA).
Protein change: p.Lys113fs; shifts the reading frame from lysine 113.
Molecular consequence: frameshift variant. On other transcripts: non-coding transcript variant (1).
Genome position (GRCh38, 1-based): chr15:25,375,491, T duplicated on the plus strand (A on the coding strand, the reverse complement: UBE3A is on the minus strand); the first of 2 consecutive T bases (chr15:25,375,491-25,375,492); duplicating either gives the same sequence. VCF-style (leftmost placement, unchanged base first): chr15-25375490-C-CT. GRCh37 (hg19) VCF-style: chr15-25620637-C-CT.
Other names: c.344dup, p.Lys116fs (NM_000462.5); c.335dup, p.Lys113fs (NM_001354505.1, NM_001354538.2, NM_001354545.2 and 1 more transcripts); c.275dup, p.Lys93fs (NM_001354506.2, NM_001354507.2, NM_001354508.2 and 18 more transcripts); c.158dup, p.Lys54fs (NM_001354546.2); short protein forms K54fs, K116fs, K93fs, K113fs.
Identifiers: ClinVar variation 136190 (VCV000136190.1), dbSNP rs587780568, ClinGen allele CA333459.

ClinVar aggregate classification (germline): Pathogenic (0 of 4 stars; one submission).

Conditions:
Angelman syndrome (AS). Also called: HAPPY PUPPET SYNDROME. Identifiers: Orphanet 72, MedGen C0162635, MONDO:0007113, OMIM 105830. Disease mechanism: loss of function. Inheritance: AS is caused by disruption of maternally imprinted UBE3A located within the 15q11.2-q13 Angelman syndrome/Prader-Willi syndrome (AS/PWS) region., imprinting disorder.

Submission:

Baylor Genetics
Classification: Pathogenic for Angelman Syndrome. Last evaluated: 2014-02-14. Review status: no assertion criteria provided. Collection method: clinical testing. Allele origin: germline. Affected: yes. Observed: 1 variant allele. Study: UBE3A Mutation Study.
Comment: Data collected from clinical UBE3A sequence analysis results

Literature cited by the submitters: PubMed 25212744.